The following is an entry in ClinVar:

ClinVar aggregate classification (germline): Uncertain significance (1 of 4 stars; one submission).

Allele frequency attached by ClinVar (database versions not stated): gnomAD exomes below 0.00001; ExAC 0.00001; gnomAD 0.00002.
gnomAD v4.1: 10 of 1,610,544 alleles (0.00062%); highest among the groups gnomAD compares: South Asian, 0.0088%; no homozygotes.

Submission:

Ambry Genetics
Classification: Uncertain significance. Last evaluated: 2024-05-24. Review status: criteria provided, single submitter. Criteria: Ambry Variant Classification Scheme 2023. Collection method: clinical testing. Allele origin: germline.
Comment: The p.C1982R variant (also known as c.5944T>C), located in coding exon 9 of the ALPK2 gene, results from a T to C substitution at nucleotide position 5944. The cysteine at codon 1982 is replaced by arginine, an amino acid with highly dissimilar properties. This amino acid position is conserved. In addition, this alteration is predicted to be tolerated by in silico analysis. Since supporting evidence is limited at this time, the clinical significance of this alteration remains unclear.

NM_052947.4(ALPK2):c.5944T>C (p.Cys1982Arg)

Gene: ALPK2 (alpha kinase 2; minus strand). Cytogenetic location: 18q21.31.
Variant type: single nucleotide variant.
Coding change: c.5944T>C on transcript NM_052947.4 (MANE Select); coding-DNA position 5944, T replaced by C.
Protein change: p.Cys1982Arg; replaces cysteine 1982 with arginine.
Molecular consequence: missense variant.
Genome position (GRCh38, 1-based): chr18:58,515,078, A>G on the plus strand (T>C on the coding strand, the complement: ALPK2 is on the minus strand). VCF-style: chr18-58515078-A-G. GRCh37 (hg19) VCF-style: chr18-56182310-A-G.
Other names: short protein forms C1982R.
Identifiers: ClinVar variation 1750636 (VCV001750636.3), dbSNP rs761004960, ClinGen allele CA8976300.